The following is an entry in ClinVar:

NM_001142800.2(EYS):c.2024-15dup

Gene: EYS (EGF-like photoreceptor maintenance factor; minus strand). Cytogenetic location: 6q12.
Variant type: Duplication.
Coding change: c.2024-15dup on transcript NM_001142800.2 (MANE Select); 15 bases into the intron before coding-DNA position 2024, one base duplicated (T; older notation c.2024-15dupT).
Molecular consequence: intron variant.
Genome position (GRCh38, 1-based): chr6:65,057,742, A duplicated on the plus strand (T on the coding strand, the reverse complement: EYS is on the minus strand); the first of 9 consecutive A bases (chr6:65,057,742-65,057,750); duplicating any one gives the same sequence. VCF-style (leftmost placement, unchanged base first): chr6-65057741-G-GA. GRCh37 (hg19) VCF-style: chr6-65767634-G-GA.
Other names: c.2024-15dupT (NM_001142800.1); c.2024-15dup (NM_001292009.2).
Identifiers: ClinVar variation 516872 (VCV000516872.14), dbSNP rs202085379, ClinGen allele CA3877337.

ClinVar aggregate classification (germline): Benign/Likely benign. Review status: criteria provided, multiple submitters, no conflicts (2 of 4 stars). 5 submissions from 5 submitters: Benign (1); Likely benign (2). 2 of the submissions do not count toward it. Last evaluated 2026-02-01.

Submissions (5):

Labcorp Genetics (formerly Invitae), Labcorp
Classification: Benign. Last evaluated: 2026-02-01. Review status: criteria provided, single submitter. Criteria: Invitae Variant Classification Sherloc (09022015). Collection method: clinical testing. Allele origin: germline.

Blueprint Genetics
Classification: Likely benign. Last evaluated: 2024-10-30. Review status: criteria provided, single submitter. Criteria: ACMG Guidelines, 2015. Collection method: clinical testing. Allele origin: germline.

GeneDx
Classification: Likely benign. Last evaluated: 2017-05-08. Review status: criteria provided, single submitter. Criteria: GeneDx Variant Classification (06012015). Collection method: clinical testing. Allele origin: germline. Affected: yes.
Comment: This variant is considered likely benign or benign based on one or more of the following criteria: it is a conservative change, it occurs at a poorly conserved position in the protein, it is predicted to be benign by multiple in silico algorithms, and/or has population frequency not consistent with disease.

Clinical Genetics, Academic Medical Center
Classification: Benign. Review status: no assertion criteria provided. Collection method: clinical testing. Allele origin: germline. Affected: yes. Study: VKGL Data-share Consensus. Not counted in ClinVar's aggregate classification.

Joint Genome Diagnostic Labs from Nijmegen and Maastricht, Radboudumc and MUMC+
Classification: Benign. Review status: no assertion criteria provided. Collection method: clinical testing. Allele origin: germline. Affected: yes. Study: VKGL Data-share Consensus. Not counted in ClinVar's aggregate classification.